The following is an entry in ClinVar:

ClinVar aggregate classification (germline): Uncertain significance (1 of 4 stars; one submission).

Submission:

Labcorp Genetics (formerly Invitae), Labcorp
Classification: Uncertain significance. Last evaluated: 2022-08-22. Review status: criteria provided, single submitter. Criteria: Invitae Variant Classification Sherloc (09022015). Collection method: clinical testing. Allele origin: germline.
Comment: This sequence change replaces asparagine, which is neutral and polar, with threonine, which is neutral and polar, at codon 850 of the GRM6 protein (p.Asn850Thr). This variant is not present in population databases (gnomAD no frequency). This variant has not been reported in the literature in individuals affected with GRM6-related conditions. Advanced modeling of protein sequence and biophysical properties (such as structural, functional, and spatial information, amino acid conservation, physicochemical variation, residue mobility, and thermodynamic stability) performed at Invitae indicates that this missense variant is expected to disrupt GRM6 protein function. In summary, the available evidence is currently insufficient to determine the role of this variant in disease. Therefore, it has been classified as a Variant of Uncertain Significance.

NM_000843.4(GRM6):c.2549A>C (p.Asn850Thr)

Genes: GRM6 (glutamate metabotropic receptor 6; minus strand), ZNF454 (zinc finger protein 454; plus strand). Cytogenetic location: 5q35.3.
Variant type: single nucleotide variant.
Coding change: c.2549A>C on transcript NM_000843.4 (MANE Select); coding-DNA position 2549, A replaced by C.
Protein change: p.Asn850Thr; replaces asparagine 850 with threonine.
Molecular consequence: missense variant.
Genome position (GRCh38, 1-based): chr5:178,981,742, T>G on the plus strand (A>C on the coding strand, the complement: GRM6 is on the minus strand). VCF-style: chr5-178981742-T-G. GRCh37 (hg19) VCF-style: chr5-178408743-T-G.
Other names: short protein forms N850T.
Identifiers: ClinVar variation 1717563 (VCV001717563.5), dbSNP rs2480358224, ClinGen allele CA362422910.